The following is an entry in ClinVar:

ClinVar aggregate classification (germline): Uncertain significance. Review status: criteria provided, multiple submitters, no conflicts (2 of 4 stars). 4 submissions from 4 submitters: Uncertain significance (4). Last evaluated 2026-02-19.

Conditions:
TSC1-related disorder. Also called: TSC1-related condition.
Hereditary cancer-predisposing syndrome. Also called: Tumor predisposition; Neoplastic Syndromes, Hereditary; Hereditary Cancer Syndrome; Hereditary neoplastic syndrome. Identifiers: Orphanet 140162, MedGen C0027672, MeSH D009386, MONDO:0015356.
Tuberous sclerosis syndrome (TSC). Also called: Tuberous Sclerosis Complex; Tuberous sclerosis. Identifiers: Orphanet 805, MedGen C0041341, MONDO:0001734.

Submissions (4):

Ambry Genetics
Classification: Uncertain significance for Hereditary cancer-predisposing syndrome. Last evaluated: 2026-02-19. Review status: criteria provided, single submitter. Criteria: Ambry Variant Classification Scheme 2023. Collection method: clinical testing. Allele origin: germline.
Comment: The c.3266delG variant, located in coding exon 21 of the TSC1 gene, results from a deletion of one nucleotide at nucleotide position 3266, causing a translational frameshift with a predicted alternate stop codon (p.G1089Vfs*2). This variant occurs at the 3' terminus of the gene, is not expected to trigger nonsense-mediated mRNAdecay, and impacts the last 6% of the protein. The exact functional effect of this variant is unknown. Based on the available evidence, the clinical significance of this variant remains unclear.

All of Us Research Program, National Institutes of Health
Classification: Uncertain significance for Tuberous sclerosis syndrome. Last evaluated: 2024-04-16. Review status: criteria provided, single submitter. Criteria: ACMG Guidelines, 2015. Collection method: clinical testing. Allele origin: germline. Inheritance: Autosomal dominant inheritance. Observed: 1 variant allele, 1 heterozygote.
Comment: This variant deletes 1 nucleotide in exon 23 of the TSC1 gene, creating a frameshift and premature translation stop signal in the terminal exon, but the mRNA is not expected to undergo nonsense-mediated decay. To our knowledge, this variant has not been reported in individuals affected with TSC1-related disorders in the literature. This variant has not been identified in the general population by the Genome Aggregation Database (gnomAD). The available evidence is insufficient to determine the role of this variant in disease conclusively. Therefore, this variant is classified as a Variant of Uncertain Significance.

This study involves interpretation of variants in research participants for the purpose of population health screening. Participant phenotype was not available at the time of variant classification. Additional details can be found in publication PMID: 35346344, PMCID: PMC8962531

PreventionGenetics, part of Exact Sciences
Classification: Uncertain significance for TSC1-related condition. Last evaluated: 2022-11-03. Review status: criteria provided, single submitter. Criteria: ACMG Guidelines, 2015. Collection method: clinical testing. Allele origin: germline.
Comment: The TSC1 c.3266delG variant is predicted to result in a frameshift and premature protein termination (p.Gly1089Valfs*2). This variant occurs within the terminal exon of TSC1. To our knowledge, this variant has not been reported in the literature or in a large population database, indicating this variant is rare. Loss of function variants in TSC1 have been documented in patients with TSC1-related disease. However, almost all of these variants have been reported upstream of amino acid 1089. Although we suspect that this variant may be pathogenic, at this time, the clinical significance of this variant is uncertain due to the absence of conclusive functional and genetic evidence.

Blueprint Genetics
Classification: Uncertain significance. Last evaluated: 2020-09-04. Review status: criteria provided, single submitter. Criteria: ACMG Guidelines, 2015. Collection method: clinical testing. Allele origin: germline.

NM_000368.5(TSC1):c.3266del (p.Gly1089fs)

Gene: TSC1 (TSC complex subunit 1; minus strand). Cytogenetic location: 9q34.13.
Variant type: Deletion.
Coding change: c.3266del on transcript NM_000368.5 (MANE Select); coding-DNA position 3266, one base deleted (G; older notation c.3266delG).
Protein change: p.Gly1089fs; shifts the reading frame from glycine 1089.
Molecular consequence: frameshift variant. On other transcripts: non-coding transcript variant (5).
Genome position (GRCh38, 1-based): chr9:132,896,464, C deleted on the plus strand (G on the coding strand, the reverse complement: TSC1 is on the minus strand); the first of 3 consecutive C bases (chr9:132,896,464-132,896,466); deleting any one gives the same sequence. VCF-style (leftmost placement, unchanged base first): chr9-132896463-AC-A. GRCh37 (hg19) VCF-style: chr9-135771850-AC-A.
Other names: c.3266delG (NM_000368.4); c.3263del, p.Gly1088fs (NM_001162426.2, NM_001406597.1, NM_001406598.1 and 2 more transcripts); c.3113del, p.Gly1038fs (NM_001162427.2, NM_001406610.1); c.2903del, p.Gly968fs (NM_001362177.2, NM_001406614.1, NM_001406615.1 and 4 more transcripts); c.3266del, p.Gly1089fs (NM_001406592.1, NM_001406593.1, NM_001406594.1 and 2 more transcripts); c.3251del, p.Gly1084fs (NM_001406601.1, NM_001406602.1); c.3248del, p.Gly1083fs (NM_001406603.1, NM_001406604.1); c.3224del, p.Gly1075fs (NM_001406605.1, NM_001406606.1, NM_001406607.1); and 9 more; short protein forms G1023fs, G1037fs, G1038fs, G1074fs, G1075fs, G1083fs, G1084fs, G1088fs.
Identifiers: ClinVar variation 2635211 (VCV002635211.4), dbSNP rs1845052735, ClinGen allele CA1882415459.